The following is an entry in ClinVar:

NM_004408.4(DNM1):c.2261T>C (p.Met754Thr)

Genes: DNM1 (dynamin 1; plus strand), LOC130002698 (ATAC-STARR-seq lymphoblastoid silent region 20332; plus strand). Cytogenetic location: 9q34.11.
Variant type: single nucleotide variant.
Coding change: c.2261T>C on transcript NM_004408.4 (MANE Select); coding-DNA position 2261, T replaced by C.
Protein change: p.Met754Thr; replaces methionine 754 with threonine.
Molecular consequence: missense variant.
Genome position (GRCh38, 1-based): chr9:128,250,299, T>C. VCF-style: chr9-128250299-T-C. GRCh37 (hg19) VCF-style: chr9-131012578-T-C.
Other names: c.2261T>C, p.Met754Thr (NM_001005336.3, NM_001288737.2, NM_001288738.2 and 2 more transcripts); short protein forms M754T.
Identifiers: ClinVar variation 2824105 (VCV002824105.3), dbSNP rs2539123463, ClinGen allele CA375001151.

ClinVar aggregate classification (germline): Uncertain significance (1 of 4 stars; one submission).

Conditions:
Developmental and epileptic encephalopathy, 31A. Also called: Developmental and epileptic encephalopathy, 31; Epileptic encephalopathy, early infantile, 31. Identifiers: Orphanet 2382, MedGen C4225357, MONDO:0014598, OMIM 616346.

Submission:

Labcorp Genetics (formerly Invitae), Labcorp
Classification: Uncertain significance for Developmental and epileptic encephalopathy, 31A. Last evaluated: 2025-12-26. Review status: criteria provided, single submitter. Criteria: Invitae Variant Classification Sherloc (09022015). Collection method: clinical testing. Allele origin: germline.
Comment: This sequence change replaces methionine, which is neutral and non-polar, with threonine, which is neutral and polar, at codon 754 of the DNM1 protein (p.Met754Thr). This variant is not present in population databases (gnomAD no frequency). This variant has not been reported in the literature in individuals affected with DNM1-related conditions. ClinVar contains an entry for this variant (Variation ID: 2824105). Invitae Evidence Modeling of protein sequence and biophysical properties (such as structural, functional, and spatial information, amino acid conservation, physicochemical variation, residue mobility, and thermodynamic stability) indicates that this missense variant is not expected to disrupt DNM1 protein function with a negative predictive value of 95%. In summary, the available evidence is currently insufficient to determine the role of this variant in disease. Therefore, it has been classified as a Variant of Uncertain Significance.